The following is an entry in ClinVar:

ClinVar aggregate classification (germline): Likely benign (1 of 4 stars; one submission).

Allele frequency attached by ClinVar (database versions not stated): gnomAD below 0.00001 and 0.00007; TOPMed 0.00002; 1000 Genomes Project 0.00040; 1000 Genomes Project 30x 0.00047.
gnomAD v4.1: 113 of 916,070 alleles (0.012%); highest among the groups gnomAD compares: South Asian, 0.14%; no homozygotes.

Submission:

GeneDx
Classification: Likely benign. Last evaluated: 2017-10-25. Review status: criteria provided, single submitter. Criteria: GeneDx Variant Classification (06012015). Collection method: clinical testing. Allele origin: germline. Affected: yes.
Comment: This variant is considered likely benign or benign based on one or more of the following criteria: it is a conservative change, it occurs at a poorly conserved position in the protein, it is predicted to be benign by multiple in silico algorithms, and/or has population frequency not consistent with disease.

NM_018941.4(CLN8):c.-113G>T

Gene: CLN8 (CLN8 transmembrane ER and ERGIC protein; plus strand). Cytogenetic location: 8p23.3.
Variant type: single nucleotide variant.
Coding change: c.-113G>T on transcript NM_018941.4 (MANE Select); 113 bases upstream of the start codon, G replaced by T.
Molecular consequence: 5 prime UTR variant.
Genome position (GRCh38, 1-based): chr8:1,770,942, G>T. VCF-style: chr8-1770942-G-T. GRCh37 (hg19) VCF-style: chr8-1719108-G-T.
Identifiers: ClinVar variation 384956 (VCV000384956.1), dbSNP rs374723418, ClinGen allele CA16605363.